The following is an entry in ClinVar:

NM_015346.4(ZFYVE26):c.5941C>T (p.Gln1981Ter)

Gene: ZFYVE26 (zinc finger FYVE-type containing 26; minus strand). Cytogenetic location: 14q24.1.
Variant type: single nucleotide variant.
Coding change: c.5941C>T on transcript NM_015346.4 (MANE Select); coding-DNA position 5941, C replaced by T.
Protein change: p.Gln1981Ter; replaces glutamine 1981 with a stop codon.
Molecular consequence: nonsense.
Genome position (GRCh38, 1-based): chr14:67,766,297, G>A on the plus strand (C>T on the coding strand, the complement: ZFYVE26 is on the minus strand). VCF-style: chr14-67766297-G-A. GRCh37 (hg19) VCF-style: chr14-68233014-G-A.
Other names: short protein forms Q1981*.
Identifiers: ClinVar variation 2783888 (VCV002783888.4), dbSNP rs2503979318, ClinGen allele CA390165712.

ClinVar aggregate classification (germline): Pathogenic/Likely pathogenic. Review status: criteria provided, multiple submitters, no conflicts (2 of 4 stars). 2 submissions from 2 submitters: Pathogenic (1); Likely pathogenic (1). Last evaluated 2024-01-10.

Conditions:
Spastic paraplegia. Identifiers: MedGen C0037772, HP:0001258.
Hereditary spastic paraplegia 15 (SPG15). Also called: SPASTIC PARAPLEGIA AND RETINAL DEGENERATION; SPASTIC PARAPLEGIA 15, AUTOSOMAL RECESSIVE; KJELLIN SYNDROME. Identifiers: Orphanet 100996, MedGen C1849128, MONDO:0010044, OMIM 270700.

Allele frequency attached by ClinVar (database versions not stated): gnomAD exomes below 0.00001.
gnomAD v4.1: 2 of 1,613,854 alleles (0.00012%); highest among the groups gnomAD compares: Admixed American, 0.0017%; no homozygotes.

Submissions (2):

Labcorp Genetics (formerly Invitae), Labcorp
Classification: Pathogenic for Spastic paraplegia. Last evaluated: 2024-01-10. Review status: criteria provided, single submitter. Criteria: Invitae Variant Classification Sherloc (09022015). Collection method: clinical testing. Allele origin: germline.
Comment: This sequence change creates a premature translational stop signal (p.Gln1981*) in the ZFYVE26 gene. It is expected to result in an absent or disrupted protein product. Loss-of-function variants in ZFYVE26 are known to be pathogenic (PMID: 18394578, 19805727). This variant is not present in population databases (gnomAD no frequency). This variant has not been reported in the literature in individuals affected with ZFYVE26-related conditions. For these reasons, this variant has been classified as Pathogenic.

Fulgent Genetics
Classification: Likely pathogenic for Hereditary spastic paraplegia 15. Last evaluated: 2024-01-04. Review status: criteria provided, single submitter. Criteria: ACMG Guidelines, 2015. Collection method: clinical testing. Allele origin: germline.

Literature cited by the submitters: PubMed 18394578 (cited by Labcorp Genetics (formerly Invitae), Labcorp); PubMed 19805727 (cited by Labcorp Genetics (formerly Invitae), Labcorp).